The following is an entry in ClinVar:

NM_152594.3(SPRED1):c.680A>G (p.Asn227Ser)

Gene: SPRED1 (sprouty related EVH1 domain containing 1; plus strand). Cytogenetic location: 15q14.
Variant type: single nucleotide variant.
Coding change: c.680A>G on transcript NM_152594.3 (MANE Select); coding-DNA position 680, A replaced by G.
Protein change: p.Asn227Ser; replaces asparagine 227 with serine.
Molecular consequence: missense variant.
Genome position (GRCh38, 1-based): chr15:38,349,519, A>G. VCF-style: chr15-38349519-A-G. GRCh37 (hg19) VCF-style: chr15-38641720-A-G.
Other names: short protein forms N227S.
Identifiers: ClinVar variation 4825578 (VCV004825578.1).

ClinVar aggregate classification (germline): Uncertain significance (1 of 4 stars; one submission).

Conditions:
Cardiovascular phenotype. Identifiers: MedGen CN230736.

Submission:

Ambry Genetics
Classification: Uncertain significance for Cardiovascular phenotype. Last evaluated: 2026-01-20. Review status: criteria provided, single submitter. Criteria: Ambry Variant Classification Scheme 2023. Collection method: clinical testing. Allele origin: germline.
Comment: The p.N227S variant (also known as c.680A>G), located in coding exon 6 of the SPRED1 gene, results from an A to G substitution at nucleotide position 680. The asparagine at codon 227 is replaced by serine, an amino acid with highly similar properties. This amino acid position is conserved. In addition, this alteration is predicted to be tolerated by in silico analysis. Based on the available evidence, the clinical significance of this variant remains unclear.